The following is an entry in ClinVar:

ClinVar aggregate classification (germline): Uncertain significance (1 of 4 stars; one submission).

Conditions:
Inborn genetic diseases. Identifiers: MedGen C0950123, MeSH D030342.

Allele frequency attached by ClinVar (database versions not stated): ExAC 0.00003; 1000 Genomes Project 0.00020; 1000 Genomes Project 30x 0.00031.

Submission:

Ambry Genetics
Classification: Uncertain significance for Inborn genetic diseases. Last evaluated: 2018-05-04. Review status: criteria provided, single submitter. Criteria: Ambry Variant Classification Scheme 2023. Collection method: clinical testing. Allele origin: germline.
Comment: The c.1688+4C>T intronic variant results from a C to T substitution 4 nucleotides after coding exon 13 in the SHANK3 gene. This nucleotide position is not well conserved in available vertebrate species. Using the BDGP and ESEfinder splice site prediction tools, this alteration is not predicted to have any significant effect on this splice donor site; however, direct evidence is unavailable. Since supporting evidence is limited at this time, the clinical significance of this alteration remains unclear.

NM_001372044.2(SHANK3):c.1878+4C>T

Genes: SHANK3 (SH3 and multiple ankyrin repeat domains 3; plus strand), LOC126863188 (CDK7 strongly-dependent group 2 enhancer GRCh37_chr22:51142004-51143203; plus strand). Cytogenetic location: 22q13.33.
Variant type: single nucleotide variant.
Coding change: c.1878+4C>T on transcript NM_001372044.2 (MANE Select); 4 bases into the intron after coding-DNA position 1878, C replaced by T.
Molecular consequence: intron variant.
Genome position (GRCh38, 1-based): chr22:50,703,939, C>T. VCF-style: chr22-50703939-C-T. GRCh37 (hg19) VCF-style: chr22-51142367-C-T.
Other names: c.1688+4C>T (NM_033517.1).
Identifiers: ClinVar variation 1778044 (VCV001778044.2), dbSNP rs577541168, ClinGen allele CA10325602.